The following is an entry in ClinVar:

ClinVar aggregate classification (germline): Uncertain significance (1 of 4 stars; one submission).

Allele frequency attached by ClinVar (database versions not stated): gnomAD exomes below 0.00001; gnomAD 0.00001.

Submission:

GeneDx
Classification: Uncertain significance. Last evaluated: 2022-12-02. Review status: criteria provided, single submitter. Criteria: GeneDx Variant Classification Process June 2021. Collection method: clinical testing. Allele origin: germline. Affected: yes.
Comment: Not observed at significant frequency in large population cohorts (gnomAD); Nonsense variant predicted to result in protein truncation as the last 773 amino acids are lost, although loss-of-function variants have not been reported downstream of this position in the protein; Has not been previously published as pathogenic or benign to our knowledge

NM_015721.3(GEMIN4):c.856C>T (p.Gln286Ter)

Gene: GEMIN4 (gem nuclear organelle associated protein 4; minus strand). Cytogenetic location: 17p13.3.
Variant type: single nucleotide variant.
Coding change: c.856C>T on transcript NM_015721.3 (MANE Select); coding-DNA position 856, C replaced by T.
Protein change: p.Gln286Ter; replaces glutamine 286 with a stop codon.
Molecular consequence: nonsense.
Genome position (GRCh38, 1-based): chr17:747,187, G>A on the plus strand (C>T on the coding strand, the complement: GEMIN4 is on the minus strand). VCF-style: chr17-747187-G-A. GRCh37 (hg19) VCF-style: chr17-650427-G-A.
Other names: short protein forms Q286*.
Identifiers: ClinVar variation 2504450 (VCV002504450.1), dbSNP rs1374559479, ClinGen allele CA397508734.